The following is an entry in ClinVar:

ClinVar aggregate classification (germline): Uncertain significance (1 of 4 stars; one submission).

Conditions:
MKS1-related disorder. Also called: MKS1-related disorders; MKS1-related condition. Identifiers: MedGen CN239382.

gnomAD v4.1: 1 of 1,613,860 alleles (0.000062%); no homozygotes.

Submission:

PreventionGenetics, part of Exact Sciences
Classification: Uncertain significance for MKS1-related condition. Last evaluated: 2026-06-03. Review status: criteria provided, single submitter. Criteria: ACMG Guidelines, 2015. Collection method: clinical testing. Allele origin: germline.
Comment: The MKS1 c.957C>G variant is not predicted to result in an amino acid change (p.=). This variant is predicted to alter splicing based on available splicing prediction programs (SpliceAI, Jaganathan et al. 2019. PubMed ID: 30661751). However, the use of computer prediction programs is not equivalent to functional evidence. To our knowledge, this variant has not been reported in the literature or in a large population database (gnomAD), indicating this variant is rare. At this time, the clinical significance of this variant is uncertain due to the absence of conclusive functional and genetic evidence.

NM_017777.4(MKS1):c.957C>G (p.Val319=)

Gene: MKS1 (MKS transition zone complex subunit 1; minus strand). Cytogenetic location: 17q22.
Variant type: single nucleotide variant.
Coding change: c.957C>G on transcript NM_017777.4 (MANE Select); coding-DNA position 957, C replaced by G.
Protein change: p.Val319=; no amino-acid change (valine 319 retained).
Molecular consequence: synonymous variant.
Genome position (GRCh38, 1-based): chr17:58,210,981, G>C on the plus strand (C>G on the coding strand, the complement: MKS1 is on the minus strand). VCF-style: chr17-58210981-G-C. GRCh37 (hg19) VCF-style: chr17-56288342-G-C.
Other names: c.348C>G, p.Val116= (NM_001321268.2); c.957C>G, p.Val319= (NM_001321269.2, NM_001330397.2, NM_001411113.1).
Identifiers: ClinVar variation 4992362 (VCV004992362.1).
Genomic context (GRCh38, chr17:58,210,981, plus strand): 5'-ACAGCTCCATCTAGGCACGTGCCTAAGCATCAAGAGATCTATGCTAGCAAGACACTTACC[G>C]ACCTCTCCATTTACAAAGAGCCGGAGGGCACCTGGGACAGTCTAAGGTGAAGAGAAGTGG-3'
Protein context (NP_060247.2, residues 309-329): GALRLFVNGE[Val319=]VSAQGYEYDN